The following is an entry in ClinVar:

ClinVar aggregate classification (germline): Benign/Likely benign. Review status: criteria provided, multiple submitters, no conflicts (2 of 4 stars). 8 submissions from 8 submitters: Benign (3); Likely benign (3). 2 of the submissions do not count toward it. Last evaluated 2025-12-30.

Conditions:
Nicolaides-Baraitser syndrome (NCBRS). Also called: Intellectual disability-sparse hair-brachydactyly syndrome; SMARCA2-Related Nicolaides-Baraitser Syndrome. Identifiers: Orphanet 3051, MedGen C1303073, MONDO:0011053, OMIM 601358.
Inborn genetic diseases. Identifiers: MedGen C0950123, MeSH D030342.

Allele frequency attached by ClinVar (database versions not stated): ExAC 0.00085; gnomAD exomes 0.00086; gnomAD 0.00141 and 0.00143; ESP Exome Variant Server 0.00169; TOPMed 0.00174; 1000 Genomes Project 30x 0.00297; 1000 Genomes Project 0.00300.
gnomAD v4.1: 942 of 1,608,834 alleles (0.059%); highest among the groups gnomAD compares: African/African-American, 0.38%; 2 homozygotes.

Submissions (8):

Labcorp Genetics (formerly Invitae), Labcorp
Classification: Benign. Last evaluated: 2025-12-30. Review status: criteria provided, single submitter. Criteria: Invitae Variant Classification Sherloc (09022015). Collection method: clinical testing. Allele origin: germline.

CeGaT Center for Human Genetics Tuebingen
Classification: Likely benign. Last evaluated: 2025-11-01. Review status: criteria provided, single submitter. Criteria: CeGaT Center For Human Genetics Tuebingen Variant Classification Criteria Version 2. Collection method: clinical testing. Allele origin: germline. Affected: yes. Observed: 4 variant alleles.
Comment: SMARCA2: BP4, BP7

Blueprint Genetics
Classification: Likely benign. Last evaluated: 2024-11-26. Review status: criteria provided, single submitter. Criteria: ACMG Guidelines, 2015. Collection method: clinical testing. Allele origin: germline.

GeneDx
Classification: Benign. Last evaluated: 2020-02-04. Review status: criteria provided, single submitter. Criteria: GeneDx Variant Classification Process June 2021. Collection method: clinical testing. Allele origin: germline. Affected: yes.

Illumina Laboratory Services, Illumina
Classification: Benign for Nicolaides-Baraitser syndrome. Last evaluated: 2018-01-12. Review status: criteria provided, single submitter. Criteria: ICSL Variant Classification Criteria 13 December 2019. Collection method: clinical testing. Allele origin: germline.
Comment: This variant was observed in the ICSL laboratory as part of a predisposition screen in an ostensibly healthy population. It had not been previously curated by ICSL or reported in the Human Gene Mutation Database (HGMD: prior to June 1st, 2018), and was therefore a candidate for classification through an automated scoring system. Utilizing variant allele frequency, disease prevalence and penetrance estimates, and inheritance mode, an automated score was calculated to assess if this variant is too frequent to cause the disease. Based on the score and internal cut-off values, a variant classified as benign is not then subjected to further curation. The score for this variant resulted in a classification of benign for this disease.

Ambry Genetics
Classification: Likely benign for Inborn genetic diseases. Last evaluated: 2016-09-07. Review status: criteria provided, single submitter. Criteria: Ambry Variant Classification Scheme 2023. Collection method: clinical testing. Allele origin: germline.

Clinical Genetics DNA and cytogenetics Diagnostics Lab, Erasmus MC, Erasmus Medical Center
Classification: Likely benign. Review status: no assertion criteria provided. Collection method: clinical testing. Allele origin: germline. Affected: yes. Study: VKGL Data-share Consensus. Not counted in ClinVar's aggregate classification.

Laboratory of Diagnostic Genome Analysis, Leiden University Medical Center (LUMC)
Classification: Likely benign. Review status: no assertion criteria provided. Collection method: clinical testing. Allele origin: germline. Affected: yes. Study: VKGL Data-share Consensus. Not counted in ClinVar's aggregate classification.

NM_003070.5(SMARCA2):c.4761G>A (p.Thr1587=)

Gene: SMARCA2 (SWI/SNF related BAF chromatin remodeling complex subunit ATPase 2; plus strand). Cytogenetic location: 9p24.3.
Variant type: single nucleotide variant.
Coding change: c.4761G>A on transcript NM_003070.5 (MANE Select); coding-DNA position 4761, G replaced by A.
Protein change: p.Thr1587=; no amino-acid change (threonine 1587 retained).
Molecular consequence: synonymous variant.
Genome position (GRCh38, 1-based): chr9:2,192,727, G>A. VCF-style: chr9-2192727-G-A. GRCh37 (hg19) VCF-style: chr9-2192727-G-A.
Other names: c.4761G>A, p.Thr1587= (NM_001289396.2); c.4533G>A, p.Thr1511= (NM_001289397.2); c.735G>A, p.Thr245= (NM_001289398.2); c.819G>A, p.Thr273= (NM_001289399.2); c.825G>A, p.Thr275= (NM_001289400.2); c.4707G>A, p.Thr1569= (NM_139045.4).
Identifiers: ClinVar variation 366327 (VCV000366327.45), dbSNP rs146702999, ClinGen allele CA4964345.
Genomic context (GRCh38, chr9:2,192,727, plus strand): 5'-ATGTTACTTCATTTTATCTTCTTATTTTTACTTTTAGGAACAGTCAGAAGGAAGTGGGAC[G>A]GATGATGAGTGATCAGTATGGACCTTTTTCCTTGGTAGAACTGAATTCCTTCCTCCCCTG-3'
Protein context (NP_003061.3, residues 1577-1590): DEREQSEGSG[Thr1587=]DDE